The following is an entry in ClinVar:

NM_201384.3(PLEC):c.7214G>A (p.Arg2405His)

Gene: PLEC (plectin; minus strand). Cytogenetic location: 8q24.3.
Variant type: single nucleotide variant.
Coding change: c.7214G>A on transcript NM_201384.3 (MANE Select); coding-DNA position 7214, G replaced by A.
Protein change: p.Arg2405His; replaces arginine 2405 with histidine.
Molecular consequence: missense variant.
Genome position (GRCh38, 1-based): chr8:143,922,715, C>T on the plus strand (G>A on the coding strand, the complement: PLEC is on the minus strand). VCF-style: chr8-143922715-C-T. GRCh37 (hg19) VCF-style: chr8-144996883-C-T.
Other names: c.7295G>A (NM_000445.3); c.7295G>A, p.Arg2432His (NM_000445.5); c.7172G>A, p.Arg2391His (NM_201378.4); c.7148G>A, p.Arg2383His (NM_201379.3); c.7625G>A, p.Arg2542His (NM_201380.4); c.7118G>A, p.Arg2373His (NM_201381.3); c.7214G>A, p.Arg2405His (NM_201382.4); c.7226G>A, p.Arg2409His (NM_201383.3); short protein forms R2373H, R2405H, R2409H, R2391H, R2432H, R2542H, R2383H.
Identifiers: ClinVar variation 597256 (VCV000597256.11), dbSNP rs370305441, ClinGen allele CA4925724.

ClinVar aggregate classification (germline): Uncertain significance. Review status: criteria provided, multiple submitters, no conflicts (2 of 4 stars). 3 submissions from 3 submitters: Uncertain significance (3). Last evaluated 2025-12-11.

Conditions:
Inborn genetic diseases. Identifiers: MedGen C0950123, MeSH D030342.
Epidermolysis bullosa simplex 5B, with muscular dystrophy (EBS5B). Also called: Epidermolysis bullosa simplex with muscular dystrophy; EPIDERMOLYSIS BULLOSA SIMPLEX AND LIMB-GIRDLE MUSCULAR DYSTROPHY. Identifiers: Orphanet 257, MedGen C2931072, MONDO:0009181, OMIM 226670.
Epidermolysis bullosa simplex, Ogna type (EBS5A). Also called: Pidermolysis bullosa simplex 5A, Ogna type; EPIDERMOLYSIS BULLOSA SIMPLEX 5A, OGNA TYPE. Identifiers: Orphanet 79401, MedGen C0432317, MONDO:0007555, OMIM 131950.
Epidermolysis bullosa simplex with nail dystrophy (EBS5D). Identifiers: MedGen C4225309, MONDO:0014661, OMIM 616487.
Autosomal recessive limb-girdle muscular dystrophy type 2Q (LGMDR17). Also called: MUSCULAR DYSTROPHY, LIMB-GIRDLE, AUTOSOMAL RECESSIVE 17. Identifiers: Orphanet 254361, MedGen C3150989, MONDO:0013390, OMIM 613723.
Epidermolysis bullosa simplex 5C, with pyloric atresia (EBS5C). Also called: PLEC-Related Epidermolysis Bullosa with Pyloric Atresia; Epidermolysis bullosa simplex with pyloric atresia; PLEC1-Related Epidermolysis Bullosa with Pyloric Atresia. Identifiers: Orphanet 158684, MedGen C2677349, MONDO:0012807, OMIM 612138.

Allele frequency attached by ClinVar (database versions not stated): ExAC 0.00001; gnomAD 0.00001; gnomAD exomes 0.00001 and 0.00002; TOPMed 0.00004; ESP Exome Variant Server 0.00008.
gnomAD v4.1: 34 of 1,611,988 alleles (0.0021%); highest among the groups gnomAD compares: African/African-American, 0.008%; no homozygotes.

Submissions (3):

Labcorp Genetics (formerly Invitae), Labcorp
Classification: Uncertain significance for Autosomal recessive limb-girdle muscular dystrophy type 2Q; Epidermolysis bullosa simplex, Ogna type; Epidermolysis bullosa simplex with nail dystrophy; Epidermolysis bullosa simplex 5C, with pyloric atresia; Epidermolysis bullosa simplex 5B, with muscular dystrophy. Last evaluated: 2025-12-11. Review status: criteria provided, single submitter. Criteria: Invitae Variant Classification Sherloc (09022015). Collection method: clinical testing. Allele origin: germline.
Comment: This sequence change replaces arginine, which is basic and polar, with histidine, which is basic and polar, at codon 2432 of the PLEC protein (p.Arg2432His). This variant is present in population databases (rs370305441, gnomAD 0.008%). This variant has not been reported in the literature in individuals affected with PLEC-related conditions. ClinVar contains an entry for this variant (Variation ID: 597256). An algorithm developed to predict the effect of missense changes on protein structure and function (PolyPhen-2) suggests that this variant is likely to be disruptive. In summary, the available evidence is currently insufficient to determine the role of this variant in disease. Therefore, it has been classified as a Variant of Uncertain Significance.

Ambry Genetics
Classification: Uncertain significance for Inborn genetic diseases. Last evaluated: 2025-08-28. Review status: criteria provided, single submitter. Criteria: Ambry Variant Classification Scheme 2023. Collection method: clinical testing. Allele origin: germline.

Eurofins Ntd Llc (ga)
Classification: Uncertain significance. Last evaluated: 2018-05-25. Review status: criteria provided, single submitter. Criteria: EGL ClinVar v180209 classification definitions. Collection method: clinical testing. Allele origin: germline. Observed: 1 variant allele, 1 heterozygote.